The following is an entry in ClinVar:

ClinVar aggregate classification (germline): Likely benign (1 of 4 stars; one submission).

Allele frequency attached by ClinVar (database versions not stated): ESP Exome Variant Server 0.00071; TOPMed 0.00106; gnomAD exomes 0.00112; gnomAD 0.00126; ExAC 0.00187; 1000 Genomes Project 30x 0.00250; 1000 Genomes Project 0.00280.
gnomAD v4.1: 1,869 of 1,612,958 alleles (0.12%); highest among the groups gnomAD compares: Middle Eastern, 1.1%; 9 homozygotes.

Submission:

CeGaT Center for Human Genetics Tuebingen
Classification: Likely benign. Last evaluated: 2022-10-01. Review status: criteria provided, single submitter. Criteria: CeGaT Center For Human Genetics Tuebingen Variant Classification Criteria Version 2. Collection method: clinical testing. Allele origin: germline. Affected: yes. Observed: 1 variant allele.
Comment: DOT1L: BP4

NM_032482.3(DOT1L):c.3157G>A (p.Ala1053Thr)

Gene: DOT1L (DOT1 like histone lysine methyltransferase; plus strand). Cytogenetic location: 19p13.3.
Variant type: single nucleotide variant.
Coding change: c.3157G>A on transcript NM_032482.3 (MANE Select); coding-DNA position 3157, G replaced by A.
Protein change: p.Ala1053Thr; replaces alanine 1053 with threonine.
Molecular consequence: missense variant.
Genome position (GRCh38, 1-based): chr19:2,222,326, G>A. VCF-style: chr19-2222326-G-A. GRCh37 (hg19) VCF-style: chr19-2222325-G-A.
Other names: c.3157G>A, p.Ala1053Thr (NM_001411141.1); short protein forms A1053T.
Identifiers: ClinVar variation 2648964 (VCV002648964.24), dbSNP rs144165419, ClinGen allele CA9061164.